The following is an entry in ClinVar:

ClinVar aggregate classification (germline): Uncertain significance (1 of 4 stars; one submission).

Conditions:
Hereditary cancer-predisposing syndrome. Also called: Tumor predisposition; Neoplastic Syndromes, Hereditary; Hereditary neoplastic syndrome; Hereditary Cancer Syndrome. Identifiers: Orphanet 140162, MedGen C0027672, MeSH D009386, MONDO:0015356.

Submission:

Ambry Genetics
Classification: Uncertain significance for Hereditary cancer-predisposing syndrome. Last evaluated: 2024-09-12. Review status: criteria provided, single submitter. Criteria: Ambry Variant Classification Scheme 2023. Collection method: clinical testing. Allele origin: germline.
Comment: The c.1271_1273delGAA variant (also known as p.R424del) is located in coding exon 4 of the BARD1 gene. This variant results from an in-frame GAA deletion at nucleotide positions 1271 to 1273. This results in the in-frame deletion of an arginine at codon 424. This amino acid position is highly conserved in available vertebrate species. In addition, this alteration is predicted to be deleterious by in silico analysis (Choi Y et al. PLoS ONE. 2012; 7(10):e46688). Based on the available evidence, the clinical significance of this variant remains unclear.

NM_000465.4(BARD1):c.1271_1273del (p.Arg424del)

Gene: BARD1 (BRCA1 associated RING domain 1; minus strand). Cytogenetic location: 2q35.
Variant type: Deletion.
Coding change: c.1271_1273del on transcript NM_000465.4 (MANE Select); coding-DNA positions 1271 to 1273, 3 bases deleted (GAA; older notation c.1271_1273delGAA).
Protein change: p.Arg424del; deletes arginine 424.
Molecular consequence: non-coding transcript variant (on NR_104212.2). On other transcripts: intron variant (3).
Genome position (GRCh38, 1-based): chr2:214,780,601-214,780,603, TTC deleted on the plus strand (GAA on the coding strand, the reverse complement: BARD1 is on the minus strand); deleting any 3 consecutive bases within chr2:214,780,601-214,780,605 gives the same sequence; the c. name uses the placement nearest the transcript's 3' end. VCF-style (leftmost placement, unchanged base first): chr2-214780600-TTTC-T. GRCh37 (hg19) VCF-style: chr2-215645324-TTTC-T.
Other names: c.1214_1216del, p.Arg405del (NM_001282543.2); c.159-28048_159-28046del (NM_001282548.2); c.215+16458_215+16460del (NM_001282545.2); c.364+11694_364+11696del (NM_001282549.2); short protein forms R424del, R405del.
Identifiers: ClinVar variation 3479718 (VCV003479718.1).
Genomic context (GRCh38, chr2:214,780,600, plus strand): 5'-TTTCAGAGTAAGCATCCTACCTTAATAGAAGCAATATGGAGCAAAGTCTCTCCTCTATGA[TTTC>T]TTTTCACAGCCATATTGGGCAACAGCTTCATTGCTGAGGGACTAGACATCACTCGCCTGT-3'